The following is an entry in ClinVar:

ClinVar aggregate classification (germline): Pathogenic (0 of 4 stars; one submission).

Conditions:
IRF6-related condition. Also called: IRF6-related disorder; IRF6-Related Disorders. Identifiers: MedGen CN378148, MONDO:1040010.

Submission:

PreventionGenetics, part of Exact Sciences
Classification: Pathogenic for IRF6-related condition. Last evaluated: 2024-09-12. Review status: no assertion criteria provided. Collection method: clinical testing. Allele origin: germline.
Comment: The IRF6 c.69C>A variant is predicted to result in premature protein termination (p.Tyr23*). This variant was reported in an individual with Van der Woude syndrome (Kondo et al. 2002. PubMed ID: 12219090). This variant has not been reported in a large population database, indicating this variant is rare. Nonsense variants in IRF6 are expected to be pathogenic. This variant is interpreted as pathogenic.

NM_006147.4(IRF6):c.69C>A (p.Tyr23Ter)

Gene: IRF6 (interferon regulatory factor 6; minus strand). Cytogenetic location: 1q32.2.
Variant type: single nucleotide variant.
Coding change: c.69C>A on transcript NM_006147.4 (MANE Select); coding-DNA position 69, C replaced by A.
Protein change: p.Tyr23Ter; replaces tyrosine 23 with a stop codon.
Molecular consequence: nonsense. On other transcripts: intron variant (1).
Genome position (GRCh38, 1-based): chr1:209,801,345, G>T on the plus strand (C>A on the coding strand, the complement: IRF6 is on the minus strand). VCF-style: chr1-209801345-G-T. GRCh37 (hg19) VCF-style: chr1-209974690-G-T.
Other names: c.-112+4602C>A (NM_001206696.2); short protein forms Y23*.
Identifiers: ClinVar variation 3346236 (VCV003346236.1).